The following is an entry in ClinVar:

NM_152384.3(BBS5):c.722A>G (p.Glu241Gly)

Gene: BBS5 (Bardet-Biedl syndrome 5; plus strand). Cytogenetic location: 2q31.1.
Variant type: single nucleotide variant.
Coding change: c.722A>G on transcript NM_152384.3 (MANE Select); coding-DNA position 722, A replaced by G.
Protein change: p.Glu241Gly; replaces glutamic acid 241 with glycine.
Molecular consequence: missense variant.
Genome position (GRCh38, 1-based): chr2:169,499,526, A>G. VCF-style: chr2-169499526-A-G. GRCh37 (hg19) VCF-style: chr2-170356036-A-G.
Other names: short protein forms E241G.
Identifiers: ClinVar variation 3358664 (VCV003358664.1).
Genomic context (GRCh38, chr2:169,499,526, plus strand): 5'-TATTATTTTTTCTCTTGTAGAGTGGTGGATATGTTCTTGGCTTTAAAATAGATCCTGTGG[A>G]AAAACTACAAGAATCAGTTAAGGAAATCAATTCACTTCACAAAGTCTATTCTGCCAGTCC-3'
Protein context (NP_689597.1, residues 231-251): YVLGFKIDPV[Glu241Gly]KLQESVKEIN

ClinVar aggregate classification (germline): Uncertain significance (0 of 4 stars; one submission).

Conditions:
BBS5-related disorder. Also called: BBS5-related condition.

gnomAD v4.1: 3 of 1,613,574 alleles (0.00019%); highest among the groups gnomAD compares: African/African-American, 0.004%; no homozygotes.

Submission:

PreventionGenetics, part of Exact Sciences
Classification: Uncertain significance for BBS5-related condition. Last evaluated: 2024-07-25. Review status: no assertion criteria provided. Collection method: clinical testing. Allele origin: germline.
Comment: The BBS5 c.722A>G variant is predicted to result in the amino acid substitution p.Glu241Gly. To our knowledge, this variant has not been reported in the literature or in a large population database, indicating this variant is rare. At this time, the clinical significance of this variant is uncertain due to the absence of conclusive functional and genetic evidence.